The following is an entry in ClinVar:

NM_017882.3(CLN6):c.486+8C>T

Gene: CLN6 (CLN6 transmembrane ER protein; minus strand). Cytogenetic location: 15q23.
Variant type: single nucleotide variant.
Coding change: c.486+8C>T on transcript NM_017882.3 (MANE Select); 8 bases into the intron after coding-DNA position 486, C replaced by T.
Molecular consequence: intron variant.
Genome position (GRCh38, 1-based): chr15:68,211,667, G>A on the plus strand (C>T on the coding strand, the complement: CLN6 is on the minus strand). VCF-style: chr15-68211667-G-A. GRCh37 (hg19) VCF-style: chr15-68504005-G-A.
Identifiers: ClinVar variation 128786 (VCV000128786.69), dbSNP rs149692285, ClinGen allele CA288745.

ClinVar aggregate classification (germline): Benign/Likely benign. Review status: criteria provided, multiple submitters, no conflicts (2 of 4 stars). 13 submissions from 13 submitters: Benign (9); Likely benign (1). 3 of the submissions do not count toward it. Last evaluated 2026-08-01.

Conditions:
Inborn genetic diseases. Identifiers: MedGen C0950123, MeSH D030342.
Neuronal ceroid lipofuscinosis. Also called: Neuronal Ceroid Lipofuscinoses. Identifiers: Orphanet 216, Orphanet 79263, MedGen C0027877, MONDO:0016295. Disease mechanism: loss of function.
Agenesis of the corpus callosum with peripheral neuropathy (ACCPN). Also called: POLYNEUROPATHY, SENSORIMOTOR, WITH OR WITHOUT AGENESIS OF THE CORPUS CALLOSUM; HMSN/ACC; CHARLEVOIX DISEASE; Hereditary Motor and Sensory Neuropathy with Agenesis of the Corpus Callosum. Identifiers: Orphanet 1496, MedGen C0795950, MONDO:0000902, OMIM 218000. Disease mechanism: loss of function.
Ceroid lipofuscinosis, neuronal, 6A. Also called: CLN6-Related Neuronal Ceroid-Lipofuscinosis; Neuronal ceroid lipofuscinosis, late infantile, variant; Neuronal ceroid lipofuscinosis, Gypsy/Indian early juvenile variant; Neuronal ceroid lipofuscinosis 6. Identifiers: Orphanet 168491, Orphanet 228363, MedGen C5551375, MONDO:0011144, OMIM 601780.

Allele frequency attached by ClinVar (database versions not stated): 1000 Genomes Project 30x 0.00750; 1000 Genomes Project 0.00819; ExAC 0.01161; TOPMed 0.01194; gnomAD exomes 0.01224; ESP Exome Variant Server 0.01247; gnomAD 0.01298 and 0.01339.
gnomAD v4.1: 24,202 of 1,613,206 alleles (1.5%); highest among the groups gnomAD compares: Non-Finnish European, 1.7%; 204 homozygotes.

Submissions (13):

CeGaT Center for Human Genetics Tuebingen
Classification: Benign. Last evaluated: 2026-08-01. Review status: criteria provided, single submitter. Criteria: CeGaT Center For Human Genetics Tuebingen Variant Classification Criteria Version 2. Collection method: clinical testing. Allele origin: germline. Affected: yes. Observed: 50 variant alleles.
Comment: CLN6: BP4, BS1, BS2

Labcorp Genetics (formerly Invitae), Labcorp
Classification: Benign for Neuronal ceroid lipofuscinosis. Last evaluated: 2026-02-04. Review status: criteria provided, single submitter. Criteria: Invitae Variant Classification Sherloc (09022015). Collection method: clinical testing. Allele origin: germline.

ARUP Laboratories, Molecular Genetics and Genomics, ARUP Laboratories
Classification: Benign. Last evaluated: 2025-04-01. Review status: criteria provided, single submitter. Criteria: ARUP Molecular Germline Variant Investigation Process 2024. Collection method: clinical testing. Allele origin: germline.

Athena Diagnostics
Classification: Benign. Last evaluated: 2024-10-04. Review status: criteria provided, single submitter. Criteria: Athena Diagnostics Criteria. Collection method: clinical testing. Allele origin: unknown.

Women's Health and Genetics/Laboratory Corporation of America, LabCorp
Classification: Benign. Last evaluated: 2021-12-10. Review status: criteria provided, single submitter. Criteria: LabCorp Variant Classification Summary - May 2015. Collection method: clinical testing. Allele origin: germline.

GeneDx
Classification: Benign. Last evaluated: 2018-12-11. Review status: criteria provided, single submitter. Criteria: GeneDx Variant Classification Process June 2021. Collection method: clinical testing. Allele origin: germline. Affected: yes.
Comment: This variant is associated with the following publications: (PMID: 21990111, 27535533)

Ambry Genetics
Classification: Benign for Inborn genetic diseases. Last evaluated: 2018-09-24. Review status: criteria provided, single submitter. Criteria: Ambry Variant Classification Scheme 2023. Collection method: clinical testing. Allele origin: germline.

Eurofins Ntd Llc (ga)
Classification: Benign. Last evaluated: 2016-05-17. Review status: criteria provided, single submitter. Criteria: EGL Classification Definitions 2015. Collection method: clinical testing. Allele origin: germline. Observed: 2 variant alleles, 2 heterozygotes.

Broad Center for Mendelian Genomics, Broad Institute of MIT and Harvard
Classification: Benign for Agenesis of the corpus callosum with peripheral neuropathy. Review status: criteria provided, single submitter. Criteria: ACMG Guidelines, 2015. Collection method: research. Allele origin: germline. Inheritance: Autosomal recessive inheritance. Affected: yes.
Comment: The heterozygous c.486+8C>T variant in CLN6 has been identified in 3 individuals with neuronal ceroid lipofuscinosis, including 2 individuals with no other variants identified in CLN6 (PMID: 21990111), but has been identified in >2% of European (Finnish) chromosomes and 14 homozygotes by ExAC. In summary, this variant meets criteria to be classified as benign for autosomal recessive neuronal ceroid lipofuscinosis.

PreventionGenetics, part of Exact Sciences
Classification: Likely benign. Review status: criteria provided, single submitter. Criteria: ACMG Guidelines, 2015. Collection method: clinical testing. Allele origin: germline.

Mayo Clinic Laboratories, Mayo Clinic
Classification: Likely benign. Last evaluated: 2018-01-05. Review status: no assertion criteria provided. Collection method: clinical testing. Allele origin: unknown. Not counted in ClinVar's aggregate classification.

Genetic Services Laboratory, University of Chicago
Classification: Likely benign for AllHighlyPenetrant. Review status: no assertion criteria provided. Collection method: clinical testing. Allele origin: germline. Inheritance: Autosomal recessive inheritance. Not counted in ClinVar's aggregate classification.
Comment: Likely benign based on allele frequency in 1000 Genomes Project or ESP global frequency and its presence in a patient with a rare or unrelated disease phenotype. NOT Sanger confirmed.

Translational Research Program on Neuronal Ceroid Lipofuscinosis, Center for the Study of Inborn Errors of Metabolism
Classification: Pathogenic for Ceroid lipofuscinosis, neuronal, 6A. Review status: flagged submission. Collection method: research. Allele origin: inherited. Affected: yes. Observed: 1 variant allele. Not counted in ClinVar's aggregate classification.
Comment: Late Infantile NCL
ClinVar note: Reason: Outlier claim with insufficient supporting evidence